The following is an entry in ClinVar:

ClinVar aggregate classification (germline): Pathogenic (1 of 4 stars; one submission).

Submission:

GeneDx
Classification: Pathogenic. Last evaluated: 2013-07-11. Review status: criteria provided, single submitter. Criteria: GeneDx Variant Classification (06012015). Collection method: clinical testing. Allele origin: germline. Affected: yes.
Comment: p.Arg29747Stop (AGA>TGA): c.89239 A>T in exon 289 of the TTN gene (NM_001256850.1). The Arg29747Stop mutation in the TTN gene has not been reported previously as a disease-causing mutation or as a benign polymorphism, to our knowledge. Arg29747Stop is predicted to cause loss of normal protein function either due to production of an abnormal, prematurely truncated protein, or by absence of protein product due to nonsense mediated mRNA decay. Other truncating TTN variants have been reported in approximately 3% of control alleles (Herman D et al., 2012). However, Arg29747Stop is located in the A-band region of titin, where the majority of truncating mutations associated with DCM have been reported (Herman D et al., 2012). Furthermore, Arg29747Stop was not observed in approximately 6,000 individuals of European and African American ancestry in the NHLBI Exome Sequencing Project, indicating it is not a common benign variant in these populations.In summary, Arg29747Stop in the TTN gene is interpreted as a disease-causing mutation. The variant is found in DCM panel(s).

NM_001267550.2(TTN):c.94162A>T (p.Arg31388Ter)

Genes: TTN (titin; minus strand), TTN-AS1 (TTN antisense RNA 1; plus strand). Cytogenetic location: 2q31.2.
Variant type: single nucleotide variant.
Coding change: c.94162A>T on transcript NM_001267550.2 (MANE Select); coding-DNA position 94162, A replaced by T.
Protein change: p.Arg31388Ter; replaces arginine 31388 with a stop codon.
Molecular consequence: nonsense.
Genome position (GRCh38, 1-based): chr2:178,547,464, T>A on the plus strand (A>T on the coding strand, the complement: TTN is on the minus strand). VCF-style: chr2-178547464-T-A. GRCh37 (hg19) VCF-style: chr2-179412191-T-A.
Other names: p.R29747*:AGA>TGA; c.89239A>T, p.Arg29747Ter (NM_001256850.1); c.66967A>T, p.Arg22323Ter (NM_003319.4); c.86458A>T, p.Arg28820Ter (NM_133378.4); c.67342A>T, p.Arg22448Ter (NM_133432.3); c.67543A>T, p.Arg22515Ter (NM_133437.4); short protein forms R29747*, R31388*, R22323*, R22448*, R22515*, R28820*.
Identifiers: ClinVar variation 202425 (VCV000202425.4), dbSNP rs794729302, ClinGen allele CA309370.